The following is an entry in ClinVar:

ClinVar aggregate classification (germline): Likely pathogenic (1 of 4 stars; one submission).

Conditions:
Charlevoix-Saguenay spastic ataxia (SACS). Also called: SPASTIC ATAXIA 6, AUTOSOMAL RECESSIVE; AUTOSOMAL RECESSIVE SPASTIC ATAXIA OF CHARLEVOIX-SAGUENAY; Spastic ataxia of Charlevoix-Saguenay. Identifiers: Orphanet 98, MedGen C1849140, MONDO:0010041, OMIM 270550.

Submission:

Women's Health and Genetics/Laboratory Corporation of America, LabCorp
Classification: Likely pathogenic for Charlevoix-Saguenay spastic ataxia. Last evaluated: 2022-04-15. Review status: criteria provided, single submitter. Criteria: LabCorp Variant Classification Summary - May 2015. Collection method: clinical testing. Allele origin: germline.
Comment: Variant summary: SACS c.10103_10104insTATAGATT (p.Met3368IlefsX15) results in a premature termination codon, predicted to cause a truncation of the encoded protein or absence of the protein due to nonsense mediated decay, which are commonly known mechanisms for disease. Truncations downstream of this position have been classified as pathogenic by our laboratory. The variant was absent in 250906 control chromosomes. To our knowledge, no occurrence of c.10103_10104insTATAGATT in individuals affected with Autosomal Recessive Spastic Ataxia Of Charlevoix-Saguenay and no experimental evidence demonstrating its impact on protein function have been reported. No clinical diagnostic laboratories have submitted clinical-significance assessments for this variant to ClinVar after 2014. Based on the evidence outlined above, the variant was classified as likely pathogenic.

NM_014363.6(SACS):c.10103_10104insTATAGATT (p.Met3368fs)

Gene: SACS (sacsin molecular chaperone; minus strand). Cytogenetic location: 13q12.12.
Variant type: Insertion.
Coding change: c.10103_10104insTATAGATT on transcript NM_014363.6 (MANE Select); coding-DNA positions 10103 to 10104, TATAGATT inserted.
Protein change: p.Met3368fs; shifts the reading frame from methionine 3368.
Molecular consequence: frameshift variant.
Genome position: GRCh38 VCF-style: chr13-23333772-C-CAATCTATA. GRCh37 (hg19) VCF-style: chr13-23907911-C-CAATCTATA.
Other names: c.9662_9663insTATAGATT, p.Met3221fs (NM_001278055.2); short protein forms M3221fs, M3368fs.
Identifiers: ClinVar variation 1683341 (VCV001683341.1), dbSNP rs2137577962, ClinGen allele CA2573149139.